The following is an entry in ClinVar:

NM_182895.5(SCARF2):c.2562G>A (p.Ala854=)

Gene: SCARF2 (scavenger receptor class F member 2; minus strand). Cytogenetic location: 22q11.21.
Variant type: single nucleotide variant.
Coding change: c.2562G>A on transcript NM_182895.5 (MANE Select); coding-DNA position 2562, G replaced by A.
Protein change: p.Ala854=; no amino-acid change (alanine 854 retained).
Molecular consequence: synonymous variant.
Genome position (GRCh38, 1-based): chr22:20,425,414, C>T on the plus strand (G>A on the coding strand, the complement: SCARF2 is on the minus strand). VCF-style: chr22-20425414-C-T. GRCh37 (hg19) VCF-style: chr22-20779704-C-T.
Other names: c.2577G>A, p.Ala859= (NM_153334.7).
Identifiers: ClinVar variation 1621535 (VCV001621535.31), dbSNP rs773092954, ClinGen allele CA10112138.

ClinVar aggregate classification (germline): Likely benign. Review status: criteria provided, multiple submitters, no conflicts (2 of 4 stars). 2 submissions from 2 submitters: Likely benign (2). Last evaluated 2025-11-01.

Allele frequency attached by ClinVar (database versions not stated): gnomAD 0.00005 and 0.00006; TOPMed 0.00009; ExAC 0.00011; gnomAD exomes 0.00013.

Submissions (2):

CeGaT Center for Human Genetics Tuebingen
Classification: Likely benign. Last evaluated: 2025-11-01. Review status: criteria provided, single submitter. Criteria: CeGaT Center For Human Genetics Tuebingen Variant Classification Criteria Version 2. Collection method: clinical testing. Allele origin: germline. Affected: yes. Observed: 2 variant alleles.
Comment: SCARF2: BP4, BP7

Labcorp Genetics (formerly Invitae), Labcorp
Classification: Likely benign. Last evaluated: 2023-02-15. Review status: criteria provided, single submitter. Criteria: Invitae Variant Classification Sherloc (09022015). Collection method: clinical testing. Allele origin: germline.